The following is an entry in ClinVar:

NM_012463.4(ATP6V0A2):c.1079T>C (p.Ile360Thr)

Gene: ATP6V0A2 (ATPase H+ transporting V0 subunit a2; plus strand). Cytogenetic location: 12q24.31.
Variant type: single nucleotide variant.
Coding change: c.1079T>C on transcript NM_012463.4 (MANE Select); coding-DNA position 1079, T replaced by C.
Protein change: p.Ile360Thr; replaces isoleucine 360 with threonine.
Molecular consequence: missense variant.
Genome position (GRCh38, 1-based): chr12:123,743,825, T>C. VCF-style: chr12-123743825-T-C. GRCh37 (hg19) VCF-style: chr12-124228372-T-C.
Other names: short protein forms I360T.
Identifiers: ClinVar variation 1386433 (VCV001386433.4), dbSNP rs753742915, ClinGen allele CA6861835.
Genomic context (GRCh38, chr12:123,743,825, plus strand): 5'-TTTCCTTGTTTATGTGGAAGAGAGAGAGTGGTGCTACAATCCCCTCATTCATGAATATAA[T>C]CCCCACAAAAGAAACACCCCCCACTCGGATCCGCACCAACAAATTCACCGAGGGATTTCA-3'
Protein context (NP_036595.2, residues 350-370): GATIPSFMNI[Ile360Thr]PTKETPPTRI

ClinVar aggregate classification (germline): Uncertain significance (1 of 4 stars; one submission).

Conditions:
ALG9 congenital disorder of glycosylation (CDG1L). Also called: CONGENITAL DISORDER OF GLYCOSYLATION, TYPE Il; ALG9-CDG; CDG Il. Identifiers: Orphanet 79328, MedGen C2931006, MONDO:0012117, OMIM 608776.

Allele frequency attached by ClinVar (database versions not stated): gnomAD exomes below 0.00001; ExAC 0.00001.
gnomAD v4.1: 2 of 1,614,006 alleles (0.00012%); highest among the groups gnomAD compares: Non-Finnish European, 0.00017%; no homozygotes.

Submission:

Labcorp Genetics (formerly Invitae), Labcorp
Classification: Uncertain significance for ALG9 congenital disorder of glycosylation. Last evaluated: 2021-10-12. Review status: criteria provided, single submitter. Criteria: Invitae Variant Classification Sherloc (09022015). Collection method: clinical testing. Allele origin: germline.
Comment: In summary, the available evidence is currently insufficient to determine the role of this variant in disease. Therefore, it has been classified as a Variant of Uncertain Significance. Algorithms developed to predict the effect of missense changes on protein structure and function are either unavailable or do not agree on the potential impact of this missense change (SIFT: "Deleterious"; PolyPhen-2: "Benign"; Align-GVGD: "Class C0"). This variant has not been reported in the literature in individuals affected with ATP6V0A2-related conditions. This variant is present in population databases (rs753742915, ExAC 0.001%). This sequence change replaces isoleucine with threonine at codon 360 of the ATP6V0A2 protein (p.Ile360Thr). The isoleucine residue is moderately conserved and there is a moderate physicochemical difference between isoleucine and threonine.